The following is an entry in ClinVar:

NM_001267550.2(TTN):c.94720C>G (p.Leu31574Val)

Genes: TTN (titin; minus strand), TTN-AS1 (TTN antisense RNA 1; plus strand). Cytogenetic location: 2q31.2.
Variant type: single nucleotide variant.
Coding change: c.94720C>G on transcript NM_001267550.2 (MANE Select); coding-DNA position 94720, C replaced by G.
Protein change: p.Leu31574Val; replaces leucine 31574 with valine.
Molecular consequence: missense variant.
Genome position (GRCh38, 1-based): chr2:178,546,708, G>C on the plus strand (C>G on the coding strand, the complement: TTN is on the minus strand). VCF-style: chr2-178546708-G-C. GRCh37 (hg19) VCF-style: chr2-179411435-G-C.
Other names: c.89797C>G, p.Leu29933Val (NM_001256850.1); c.67525C>G, p.Leu22509Val (NM_003319.4); c.87016C>G, p.Leu29006Val (NM_133378.4); c.67900C>G, p.Leu22634Val (NM_133432.3); c.68101C>G, p.Leu22701Val (NM_133437.4); short protein forms L29006V, L29933V, L22509V, L22634V, L31574V, L22701V.
Identifiers: ClinVar variation 682578 (VCV000682578.6), dbSNP rs759654688, ClinGen allele CA349471003.

ClinVar aggregate classification (germline): Uncertain significance. Review status: criteria provided, multiple submitters, no conflicts (2 of 4 stars). 2 submissions from 2 submitters: Uncertain significance (2). Last evaluated 2021-02-18.

Allele frequency attached by ClinVar (database versions not stated): TOPMed 0.00001.
gnomAD v4.1: 3 of 1,613,824 alleles (0.00019%); highest among the groups gnomAD compares: Admixed American, 0.005%; no homozygotes.

Submissions (2):

GeneDx
Classification: Uncertain significance. Last evaluated: 2021-02-18. Review status: criteria provided, single submitter. Criteria: GeneDx Variant Classification Process June 2021. Collection method: clinical testing. Allele origin: germline. Affected: yes.
Comment: Not observed at a significant frequency in large population cohorts (Lek et al., 2016); Missense variant in a gene in which most reported pathogenic variants are truncating/loss-of-function; Has not been previously published as pathogenic or benign to our knowledge

Revvity Omics, Revvity
Classification: Uncertain significance. Last evaluated: 2020-09-03. Review status: criteria provided, single submitter. Criteria: ACMG Guidelines, 2015. Collection method: clinical testing. Allele origin: germline.